The following is an entry in ClinVar:

ClinVar aggregate classification (germline): Uncertain significance. Review status: criteria provided, multiple submitters, no conflicts (2 of 4 stars). 2 submissions from 2 submitters: Uncertain significance (2). Last evaluated 2021-12-13.

Conditions:
DICER1-related tumor predisposition. Also called: DICER1 syndrome; DICER1-related pleuropulmonary blastoma cancer predisposition syndrome. Identifiers: Orphanet 284343, MedGen C3839822, MONDO:0100216.
Hereditary cancer-predisposing syndrome. Also called: Neoplastic Syndromes, Hereditary; Hereditary neoplastic syndrome; Hereditary Cancer Syndrome; Tumor predisposition. Identifiers: Orphanet 140162, MedGen C0027672, MeSH D009386, MONDO:0015356.

Submissions (2):

Ambry Genetics
Classification: Uncertain significance for Hereditary cancer-predisposing syndrome. Last evaluated: 2021-12-13. Review status: criteria provided, single submitter. Criteria: Ambry Variant Classification Scheme 2023. Collection method: clinical testing. Allele origin: germline.
Comment: The p.N1248K variant (also known as c.3744C>A), located in coding exon 20 of the DICER1 gene, results from a C to A substitution at nucleotide position 3744. The asparagine at codon 1248 is replaced by lysine, an amino acid with similar properties. This amino acid position is not well conserved in available vertebrate species. In addition, this alteration is predicted to be tolerated by in silico analysis. Since supporting evidence is limited at this time, the clinical significance of this alteration remains unclear.

Labcorp Genetics (formerly Invitae), Labcorp
Classification: Uncertain significance for DICER1-related tumor predisposition. Last evaluated: 2018-09-10. Review status: criteria provided, single submitter. Criteria: Invitae Variant Classification Sherloc (09022015). Collection method: clinical testing. Allele origin: germline.
Comment: This sequence change replaces asparagine with lysine at codon 1248 of the DICER1 protein (p.Asn1248Lys). The asparagine residue is moderately conserved and there is a moderate physicochemical difference between asparagine and lysine. This variant is not present in population databases (ExAC no frequency). This variant has not been reported in the literature in individuals with DICER1-related disease. Algorithms developed to predict the effect of missense changes on protein structure and function (SIFT, PolyPhen-2, Align-GVGD) all suggest that this variant is likely to be tolerated, but these predictions have not been confirmed by published functional studies and their clinical significance is uncertain. In summary, the available evidence is currently insufficient to determine the role of this variant in disease. Therefore, it has been classified as a Variant of Uncertain Significance.

NM_177438.3(DICER1):c.3744C>A (p.Asn1248Lys)

Gene: DICER1 (dicer 1, ribonuclease III; minus strand). Cytogenetic location: 14q32.13.
Variant type: single nucleotide variant.
Coding change: c.3744C>A on transcript NM_177438.3 (MANE Select); coding-DNA position 3744, C replaced by A.
Protein change: p.Asn1248Lys; replaces asparagine 1248 with lysine.
Molecular consequence: missense variant.
Genome position (GRCh38, 1-based): chr14:95,103,652, G>T on the plus strand (C>A on the coding strand, the complement: DICER1 is on the minus strand). VCF-style: chr14-95103652-G-T. GRCh37 (hg19) VCF-style: chr14-95569989-G-T.
Other names: c.3744C>A, p.Asn1248Lys (NM_001291628.2, NM_030621.4, NM_001195573.1 and 1 more transcripts); short protein forms N1248K.
Identifiers: ClinVar variation 657714 (VCV000657714.12), dbSNP rs1595365092, ClinGen allele CA390874197.
Genomic context (GRCh38, chr14:95,103,652, plus strand): 5'-AATAGTGTCTGTCGTACCAGGCATTACGGCCATCACAGGACTTCCATCTGAGGTAGATTT[G>T]TTAGCATTTCCATCAAGGTATTTATTACTCAGGAGAGTACATTCATCGCTGGGCTGGGGC-3'
Protein context (NP_803187.1, residues 1238-1258): LSNKYLDGNA[Asn1248Lys]KSTSDGSPVM